The following is an entry in ClinVar:

ClinVar aggregate classification (germline): Benign/Likely benign. Review status: criteria provided, multiple submitters, no conflicts (2 of 4 stars). 3 submissions from 3 submitters: Benign (1); Likely benign (2). Last evaluated 2026-07-01.

Conditions:
Sessile serrated polyposis cancer syndrome (SSPCS). Identifiers: Orphanet 157798, MedGen C4310714, MONDO:0014919, OMIM 617108.

Allele frequency attached by ClinVar (database versions not stated): ExAC 0.00001; gnomAD 0.00001; TOPMed 0.00001; gnomAD exomes 0.00005 and 0.00001.
gnomAD v4.1: 33 of 1,613,836 alleles (0.002%); highest among the groups gnomAD compares: East Asian, 0.074%; no homozygotes.

Submissions (3):

Myriad Genetics, Inc.
Classification: Benign for Sessile serrated polyposis cancer syndrome. Last evaluated: 2026-07-01. Review status: criteria provided, single submitter. Criteria: Myriad Autosomal Dominant, Autosomal Recessive and X-Linked Classification Criteria (2023). Collection method: clinical testing. Allele origin: unknown.
Comment: This variant is considered benign. This variant is a silent/synonymous amino acid change and it is not expected to impact splicing.

Labcorp Genetics (formerly Invitae), Labcorp
Classification: Likely benign. Last evaluated: 2025-06-03. Review status: criteria provided, single submitter. Criteria: Invitae Variant Classification Sherloc (09022015). Collection method: clinical testing. Allele origin: germline.

Ambry Genetics
Classification: Likely benign. Last evaluated: 2025-01-27. Review status: criteria provided, single submitter. Criteria: Ambry Variant Classification Scheme 2023. Collection method: clinical testing. Allele origin: germline.

NM_017763.6(RNF43):c.1303C>T (p.Leu435=)

Gene: RNF43 (ring finger protein 43; minus strand). Cytogenetic location: 17q22.
Variant type: single nucleotide variant.
Coding change: c.1303C>T on transcript NM_017763.6 (MANE Select); coding-DNA position 1303, C replaced by T.
Protein change: p.Leu435=; no amino-acid change (leucine 435 retained).
Molecular consequence: synonymous variant.
Genome position (GRCh38, 1-based): chr17:58,358,473, G>A on the plus strand (C>T on the coding strand, the complement: RNF43 is on the minus strand). VCF-style: chr17-58358473-G-A. GRCh37 (hg19) VCF-style: chr17-56435834-G-A.
Other names: c.1303C>T, p.Leu435= (NM_001305544.3); c.922C>T, p.Leu308= (NM_001305545.2).
Identifiers: ClinVar variation 1585241 (VCV001585241.10), dbSNP rs749862747, ClinGen allele CA8673202.